The following is an entry in ClinVar:

NM_022436.3(ABCG5):c.1119-8_1119-5del

Genes: ABCG5 (ATP binding cassette subfamily G member 5; minus strand), DYNC2LI1 (dynein cytoplasmic 2 light intermediate chain 1; plus strand). Cytogenetic location: 2p21.
Variant type: Microsatellite.
Coding change: c.1119-8_1119-5del on transcript NM_022436.3 (MANE Select); 8 bases into the intron before coding-DNA position 1119 through 5 bases into the intron before coding-DNA position 1119, 4 bases deleted (GTTT; older notation c.1119-8_1119-5delGTTT).
Molecular consequence: intron variant.
Genome position (GRCh38, 1-based): chr2:43,824,123-43,824,126, AAAC deleted on the plus strand (GTTT on the coding strand, the reverse complement: ABCG5 is on the minus strand); deleting any 4 consecutive bases within chr2:43,824,123-43,824,132 gives the same sequence; the c. name uses the placement nearest the transcript's 3' end. VCF-style (leftmost placement, unchanged base first): chr2-43824122-AAAAC-A. GRCh37 (hg19) VCF-style: chr2-44051261-AAAAC-A.
Other names: c.*16-3257_*16-3254del (NM_001348913.2, NM_001348912.2).
Identifiers: ClinVar variation 2885903 (VCV002885903.3), dbSNP rs777313666, ClinGen allele CA1636391.

ClinVar aggregate classification (germline): Conflicting classifications of pathogenicity. Review status: criteria provided, conflicting classifications (1 of 4 stars). 2 submissions from 2 submitters: Uncertain significance (1); Likely benign (1). Last evaluated 2025-12-04.

Conditions:
Sitosterolemia (STSL). Also called: PHYTOSTEROLEMIA. Identifiers: Orphanet 2882, MedGen C0342907, MONDO:0008863.
Cardiovascular phenotype. Identifiers: MedGen CN230736.

Submissions (2):

Ambry Genetics
Classification: Uncertain significance for Cardiovascular phenotype. Last evaluated: 2025-12-04. Review status: criteria provided, single submitter. Criteria: Ambry Variant Classification Scheme 2023. Collection method: clinical testing. Allele origin: germline.
Comment: The c.1119-8_1119-5delGTTT intronic variant, located in intron 8 of the ABCG5 gene, results from a deletion of 4 nucleotides within intron 8 of the ABCG5 gene. This nucleotide region is poorly conserved in available vertebrate species. In silico splice site analysis predicts that this alteration will weaken the native splice acceptor site. Based on the available evidence, the clinical significance of this variant remains unclear.

Labcorp Genetics (formerly Invitae), Labcorp
Classification: Likely benign for Sitosterolemia. Last evaluated: 2025-03-05. Review status: criteria provided, single submitter. Criteria: Invitae Variant Classification Sherloc (09022015). Collection method: clinical testing. Allele origin: germline.